The following is an entry in ClinVar:

NM_182961.4(SYNE1):c.12666C>G (p.Cys4222Trp)

Gene: SYNE1 (spectrin repeat containing nuclear envelope protein 1; minus strand). Cytogenetic location: 6q25.2.
Variant type: single nucleotide variant.
Coding change: c.12666C>G on transcript NM_182961.4 (MANE Select); coding-DNA position 12666, C replaced by G.
Protein change: p.Cys4222Trp; replaces cysteine 4222 with tryptophan.
Molecular consequence: missense variant.
Genome position (GRCh38, 1-based): chr6:152,334,136, G>C on the plus strand (C>G on the coding strand, the complement: SYNE1 is on the minus strand). VCF-style: chr6-152334136-G-C. GRCh37 (hg19) VCF-style: chr6-152655271-G-C.
Other names: c.12453C>G, p.Cys4151Trp (NM_033071.5); short protein forms C4151W, C4222W.
Identifiers: ClinVar variation 907045 (VCV000907045.8), dbSNP rs866991892, ClinGen allele CA366106196.

ClinVar aggregate classification (germline): Uncertain significance. Review status: criteria provided, multiple submitters, no conflicts (2 of 4 stars). 3 submissions from 2 submitters: Uncertain significance (3). Last evaluated 2022-07-19.

Conditions:
Emery-Dreifuss muscular dystrophy 4, autosomal dominant (EDMD4). Also called: EMERY-DREIFUSS MUSCULAR DYSTROPHY 4 WITH VARIABLE FEATURES. Identifiers: Orphanet 261, MedGen C2751807, MONDO:0013071, OMIM 612998.
Autosomal recessive ataxia, Beauce type. Also called: ATAXIA, RECESSIVE, OF BEAUCE; SYNE1 Deficiency; SYNE1-Related Autosomal Recessive Cerebellar Ataxia; Spinocerebellar ataxia, autosomal recessive 8. Identifiers: Orphanet 88644, MedGen C1853116, MONDO:0012549, OMIM 610743.

Allele frequency attached by ClinVar (database versions not stated): gnomAD exomes below 0.00001.
gnomAD v4.1: 1 of 1,614,106 alleles (0.000062%); highest among the groups gnomAD compares: East Asian, 0.0022%; no homozygotes.

Submissions (3):

Labcorp Genetics (formerly Invitae), Labcorp
Classification: Uncertain significance for Emery-Dreifuss muscular dystrophy 4, autosomal dominant; Autosomal recessive ataxia, Beauce type. Last evaluated: 2022-07-19. Review status: criteria provided, single submitter. Criteria: Invitae Variant Classification Sherloc (09022015). Collection method: clinical testing. Allele origin: germline.
Comment: In summary, the available evidence is currently insufficient to determine the role of this variant in disease. Therefore, it has been classified as a Variant of Uncertain Significance. Algorithms developed to predict the effect of missense changes on protein structure and function (SIFT, PolyPhen-2, Align-GVGD) all suggest that this variant is likely to be disruptive. ClinVar contains an entry for this variant (Variation ID: 907045). This variant has not been reported in the literature in individuals affected with SYNE1-related conditions. This variant is not present in population databases (gnomAD no frequency). This sequence change replaces cysteine, which is neutral and slightly polar, with tryptophan, which is neutral and slightly polar, at codon 4151 of the SYNE1 protein (p.Cys4151Trp).

Illumina Laboratory Services, Illumina
Classification: Uncertain significance for Emery-Dreifuss muscular dystrophy 4, autosomal dominant. Last evaluated: 2018-01-12. Review status: criteria provided, single submitter. Criteria: ICSL Variant Classification Criteria 13 December 2019. Collection method: clinical testing. Allele origin: germline.

Illumina Laboratory Services, Illumina
Classification: Uncertain significance for Autosomal recessive ataxia, Beauce type. Last evaluated: 2018-01-12. Review status: criteria provided, single submitter. Criteria: ICSL Variant Classification Criteria 13 December 2019. Collection method: clinical testing. Allele origin: germline.